The following is an entry in ClinVar:

NM_024741.3(ZNF408):c.127G>A (p.Val43Ile)

Gene: ZNF408 (zinc finger protein 408; plus strand). Cytogenetic location: 11p11.2.
Variant type: single nucleotide variant.
Coding change: c.127G>A on transcript NM_024741.3 (MANE Select); coding-DNA position 127, G replaced by A.
Protein change: p.Val43Ile; replaces valine 43 with isoleucine.
Molecular consequence: missense variant.
Genome position (GRCh38, 1-based): chr11:46,701,473, G>A. VCF-style: chr11-46701473-G-A. GRCh37 (hg19) VCF-style: chr11-46723023-G-A.
Other names: c.103G>A, p.Val35Ile (NM_001184751.2); short protein forms V35I, V43I.
Identifiers: ClinVar variation 934958 (VCV000934958.11), dbSNP rs141693807, ClinGen allele CA5966243.

ClinVar aggregate classification (germline): Conflicting classifications of pathogenicity. Review status: criteria provided, conflicting classifications (1 of 4 stars). 3 submissions from 3 submitters: Uncertain significance (2); Likely benign (1). Last evaluated 2025-12-22.

Conditions:
Inborn genetic diseases. Identifiers: MedGen C0950123, MeSH D030342.

Allele frequency attached by ClinVar (database versions not stated): gnomAD exomes 0.00002 and 0.00008; ExAC 0.00011; ESP Exome Variant Server 0.00015; 1000 Genomes Project 30x 0.00031; TOPMed 0.00033; gnomAD 0.00034; 1000 Genomes Project 0.00040.

Submissions (3):

Labcorp Genetics (formerly Invitae), Labcorp
Classification: Uncertain significance. Last evaluated: 2025-12-22. Review status: criteria provided, single submitter. Criteria: Invitae Variant Classification Sherloc (09022015). Collection method: clinical testing. Allele origin: germline.
Comment: This sequence change replaces valine, which is neutral and non-polar, with isoleucine, which is neutral and non-polar, at codon 43 of the ZNF408 protein (p.Val43Ile). This variant is present in population databases (rs141693807, gnomAD 0.09%). This variant has not been reported in the literature in individuals affected with ZNF408-related conditions. ClinVar contains an entry for this variant (Variation ID: 934958). An algorithm developed to predict the effect of missense changes on protein structure and function (PolyPhen-2) suggests that this variant is likely to be tolerated. In summary, the available evidence is currently insufficient to determine the role of this variant in disease. Therefore, it has been classified as a Variant of Uncertain Significance.

Ambry Genetics
Classification: Uncertain significance for Inborn genetic diseases. Last evaluated: 2025-08-03. Review status: criteria provided, single submitter. Criteria: Ambry Variant Classification Scheme 2023. Collection method: clinical testing. Allele origin: germline.

Blueprint Genetics
Classification: Likely benign. Last evaluated: 2024-03-12. Review status: criteria provided, single submitter. Criteria: ACMG Guidelines, 2015. Collection method: clinical testing. Allele origin: germline.